The following is an entry in ClinVar:

ClinVar aggregate classification (germline): Uncertain significance (1 of 4 stars; one submission).

Conditions:
Charcot-Marie-Tooth disease type 2. Also called: Charcot-Marie-Tooth type 2. Identifiers: Orphanet 64746, MedGen C0270914, MONDO:0018993.

Submission:

Labcorp Genetics (formerly Invitae), Labcorp
Classification: Uncertain significance for Charcot-Marie-Tooth disease type 2. Last evaluated: 2024-02-07. Review status: criteria provided, single submitter. Criteria: Invitae Variant Classification Sherloc (09022015). Collection method: clinical testing. Allele origin: germline.
Comment: This sequence change replaces threonine, which is neutral and polar, with serine, which is neutral and polar, at codon 38 of the AARS protein (p.Thr38Ser). This variant is not present in population databases (gnomAD no frequency). This variant has not been reported in the literature in individuals affected with AARS-related conditions. Advanced modeling of protein sequence and biophysical properties (such as structural, functional, and spatial information, amino acid conservation, physicochemical variation, residue mobility, and thermodynamic stability) performed at Invitae indicates that this missense variant is not expected to disrupt AARS protein function with a negative predictive value of 95%. In summary, the available evidence is currently insufficient to determine the role of this variant in disease. Therefore, it has been classified as a Variant of Uncertain Significance.

NM_001605.3(AARS1):c.112A>T (p.Thr38Ser)

Gene: AARS1 (alanyl-tRNA synthetase 1; minus strand). Cytogenetic location: 16q22.1.
Variant type: single nucleotide variant.
Coding change: c.112A>T on transcript NM_001605.3 (MANE Select); coding-DNA position 112, A replaced by T.
Protein change: p.Thr38Ser; replaces threonine 38 with serine.
Molecular consequence: missense variant.
Genome position (GRCh38, 1-based): chr16:70,282,652, T>A on the plus strand (A>T on the coding strand, the complement: AARS1 is on the minus strand). VCF-style: chr16-70282652-T-A. GRCh37 (hg19) VCF-style: chr16-70316555-T-A.
Other names: short protein forms T38S.
Identifiers: ClinVar variation 3639415 (VCV003639415.2).
Genomic context (GRCh38, chr16:70,282,652, plus strand): 5'-AAGCCAAGAAAAAAGGAAAAACCCTTACCTGGTTCATGCCTGCATTGGCAAAGAGCAAAG[T>A]GGGGTCATCCAATGGGATGGTGGCAGACGAGTGAACATACGTATGCTCGTTCCTCTTGAA-3'
Protein context (NP_001596.2, residues 28-48): SSATIPLDDP[Thr38Ser]LLFANAGMNQ